The following is an entry in ClinVar:

NM_001374828.1(ARID1B):c.2459G>A (p.Arg820Gln)

Gene: ARID1B (AT-rich interaction domain 1B; plus strand). Cytogenetic location: 6q25.3.
Variant type: single nucleotide variant.
Coding change: c.2459G>A on transcript NM_001374828.1 (MANE Select); coding-DNA position 2459, G replaced by A.
Protein change: p.Arg820Gln; replaces arginine 820 with glutamine.
Molecular consequence: missense variant. On other transcripts: 5 prime UTR variant (1).
Genome position (GRCh38, 1-based): chr6:157,084,873, G>A. VCF-style: chr6-157084873-G-A. GRCh37 (hg19) VCF-style: chr6-157406007-G-A.
Other names: c.2210G>A, p.Arg737Gln (NM_001346813.1); c.-41G>A (NM_001363725.2); c.2498G>A, p.Arg833Gln (NM_001371656.1, NM_001374820.1); c.2459G>A, p.Arg820Gln (NM_017519.3); c.2249G>A, p.Arg750Gln (NM_020732.3); c.2036G>A, p.Arg679Gln (NM_175863.2); short protein forms R679Q, R737Q, R750Q, R820Q, R833Q.
Identifiers: ClinVar variation 2636596 (VCV002636596.5), dbSNP rs764402992, ClinGen allele CA4067046.

ClinVar aggregate classification (germline): Conflicting classifications of pathogenicity. Review status: criteria provided, conflicting classifications (1 of 4 stars). 3 submissions from 3 submitters: Uncertain significance (2); Likely benign (1). Last evaluated 2024-10-23.

Conditions:
ARID1B-Related Disorder. Identifiers: MedGen CN381337.

Allele frequency attached by ClinVar (database versions not stated): ExAC 0.00001.
gnomAD v4.1: 7 of 1,614,014 alleles (0.00043%); highest among the groups gnomAD compares: East Asian, 0.0022%; no homozygotes.

Submissions (3):

Labcorp Genetics (formerly Invitae), Labcorp
Classification: Likely benign. Last evaluated: 2024-10-23. Review status: criteria provided, single submitter. Criteria: Invitae Variant Classification Sherloc (09022015). Collection method: clinical testing. Allele origin: germline.

GeneDx
Classification: Uncertain significance. Last evaluated: 2023-05-29. Review status: criteria provided, single submitter. Criteria: GeneDx Variant Classification Process June 2021. Collection method: clinical testing. Allele origin: germline. Affected: yes.
Comment: In silico analysis supports that this missense variant has a deleterious effect on protein structure/function; Has not been previously published as pathogenic or benign to our knowledge

PreventionGenetics, part of Exact Sciences
Classification: Uncertain significance for ARID1B-related condition. Last evaluated: 2022-08-18. Review status: criteria provided, single submitter. Criteria: ACMG Guidelines, 2015. Collection method: clinical testing. Allele origin: germline.
Comment: The ARID1B c.2249G>A variant is predicted to result in the amino acid substitution p.Arg750Gln. To our knowledge, this variant has not been reported in the literature. This variant is reported in 0.0033% of alleles in individuals of South Asian descent in gnomAD. At this time, the clinical significance of this variant is uncertain due to the absence of conclusive functional and genetic evidence.